The following is an entry in ClinVar:

ClinVar aggregate classification (germline): Uncertain significance (1 of 4 stars; one submission).

Submission:

Labcorp Genetics (formerly Invitae), Labcorp
Classification: Uncertain significance. Last evaluated: 2023-06-14. Review status: criteria provided, single submitter. Criteria: Invitae Variant Classification Sherloc (09022015). Collection method: clinical testing. Allele origin: germline.
Comment: This sequence change replaces leucine, which is neutral and non-polar, with tryptophan, which is neutral and slightly polar, at codon 447 of the BRWD3 protein (p.Leu447Trp). This variant is not present in population databases (gnomAD no frequency). Advanced modeling of protein sequence and biophysical properties (such as structural, functional, and spatial information, amino acid conservation, physicochemical variation, residue mobility, and thermodynamic stability) performed at Invitae indicates that this missense variant is expected to disrupt BRWD3 protein function. In summary, the available evidence is currently insufficient to determine the role of this variant in disease. Therefore, it has been classified as a Variant of Uncertain Significance. This variant has not been reported in the literature in individuals affected with BRWD3-related conditions.

NM_153252.5(BRWD3):c.1340T>G (p.Leu447Trp)

Gene: BRWD3 (bromodomain and WD repeat domain containing 3; minus strand). Cytogenetic location: Xq21.1.
Variant type: single nucleotide variant.
Coding change: c.1340T>G on transcript NM_153252.5 (MANE Select); coding-DNA position 1340, T replaced by G.
Protein change: p.Leu447Trp; replaces leucine 447 with tryptophan.
Molecular consequence: missense variant.
Genome position (GRCh38, 1-based): chrX:80,728,798, A>C on the plus strand (T>G on the coding strand, the complement: BRWD3 is on the minus strand). VCF-style: chrX-80728798-A-C. GRCh37 (hg19) VCF-style: chrX-79984297-A-C.
Other names: short protein forms L447W.
Identifiers: ClinVar variation 2856910 (VCV002856910.3), dbSNP rs2520348000, ClinGen allele CA413635433.